The following continues an entry in ClinVar:

NM_007294.4(BRCA1):c.5074+1G>A

Gene: BRCA1. ClinVar aggregate classification (germline): Pathogenic. Pathogenic (1).

Submissions 8 to 20 of 20:

Quest Diagnostics Nichols Institute San Juan Capistrano
Classification: Pathogenic. Last evaluated: 2024-08-21. Review status: criteria provided, single submitter. Criteria: Quest Diagnostics criteria. Collection method: clinical testing. Allele origin: unknown. Not counted in ClinVar's aggregate classification.
Comment: The BRCA1 c.5074+1G>A variant disrupts a canonical splice-donor site and interferes with normal BRCA1 mRNA splicing. This variant has been reported in the published literature in numerous individuals with breast and/or ovarian cancer (PMIDs: 29470806 (2018), 35377489 (2022)). The frequency of this variant in the general population, 0.000004 (1/251352 chromosomes (Genome Aggregation Database)), is consistent with pathogenicity. Based on the available information, this variant is classified as pathogenic.

Foundation for Research in Genetics and Endocrinology, FRIGE's Institute of Human Genetics
Classification: Pathogenic for Breast-ovarian cancer, familial, susceptibility to, 1. Last evaluated: 2024-04-19. Review status: criteria provided, single submitter. Criteria: ACMG Guidelines, 2015. Collection method: clinical testing. Allele origin: germline. Inheritance: Autosomal dominant inheritance. Affected: yes. Observed: 1 heterozygote. Not counted in ClinVar's aggregate classification.
Comment: A heterozygous 5' splice site variation in intron 16 of the BRCA1 gene that affects the invariant GT donor splice site of exon 16 (c.5074+1G>A). The observed variation (also known as IVS17+1G>A) has been previously reported in multiple breast and ovarian cancer patients [PMID: 29470806, 31528241, 17924331]. The variant has not been reported in the 1000 genomes, gnomAD V3.0 and gnomAD V2.1 databases. The in-silico prediction of the variant is damaging by Mutation Taster 2 tool. The reference base is conserved across mammals. In summary, the variant meets our criteria to be classified as pathogenic.

Color Diagnostics, LLC DBA Color Health
Classification: Pathogenic for Hereditary cancer-predisposing syndrome. Last evaluated: 2023-07-06. Review status: criteria provided, single submitter. Criteria: ACMG Guidelines, 2015. Collection method: clinical testing. Allele origin: germline. Not counted in ClinVar's aggregate classification.
Comment: This variant causes a G to A nucleotide substitution at the +1 position of intron 16 of the BRCA1 gene. Splice site prediction tools suggest that this variant may have a significant impact on RNA splicing. Although this prediction has not been confirmed in published RNA studies, a similar variant at this position c.5074+1G>T has been reported to cause aberrant splicing resulting in a frameshift splicing product and an in-frame deletion of part of the BRCT domain (PMID: 15345110, 24667779), therefore this variant is expected to result in an absent or disrupted protein product. A functional study has reported that this variant impacts BRCA1 function in a haploid cell proliferation assay (PMID: 30209399). This variant has been reported in over 10 individuals affected with breast and/or ovarian cancer (PMID: 25452441, 27553291, 29470806, 31372034, 31528241, 31706072), and has been detected in a breast cancer case-control meta-analysis in 2/60466 cases and 0/53461 unaffected individuals (PMID: 33471991; Leiden Open Variation Database DB-ID BRCA1_000377). In addition, a multifactorial likelihood model using health history and genetic data has suggested this variant have a high probability of being pathogenic (PMID: 17924331, 21990134). This variant has also been identified in 1/251352 chromosomes in the general population by the Genome Aggregation Database (gnomAD). Loss of BRCA1 function is a known mechanism of disease. Based on the available evidence, this variant is classified as Pathogenic.

Baylor Genetics
Classification: Pathogenic for Breast-ovarian cancer, familial, susceptibility to, 1. Last evaluated: 2022-06-09. Review status: criteria provided, single submitter. Criteria: ACMG Guidelines, 2015. Collection method: clinical testing. Allele origin: unknown. Not counted in ClinVar's aggregate classification.

Women's Health and Genetics/Laboratory Corporation of America, LabCorp
Classification: Pathogenic for Hereditary breast ovarian cancer syndrome. Last evaluated: 2021-08-09. Review status: criteria provided, single submitter. Criteria: LabCorp Variant Classification Summary - May 2015. Collection method: clinical testing. Allele origin: germline. Not counted in ClinVar's aggregate classification.
Comment: Variant summary: BRCA1 c.5074+1G>A is located in a canonical splice-site and is predicted to affect mRNA splicing resulting in a significantly altered protein due to either exon skipping, shortening, or inclusion of intronic material. Several computational tools predict a significant impact on normal splicing: three predict the variant abolishes a 5 prime splicing donor site. However, these predictions have yet to be confirmed by functional studies. The variant allele was found at a frequency of 4e-06 in 251352 control chromosomes. c.5074+1G>A has been reported in the literature in multiple individuals affected with Hereditary Breast And Ovarian Cancer Syndrome (e.g. Singh_2018, Rashid_2019). These data indicate that the variant is very likely to be associated with disease. Seven clinical diagnostic laboratories have submitted clinical-significance assessments for this variant to ClinVar after 2014 without evidence for independent evaluation. All laboratories classified the variant as pathogenic. Based on the evidence outlined above, the variant was classified as pathogenic.

Consortium of Investigators of Modifiers of BRCA1/2 (CIMBA), c/o University of Cambridge
Classification: Pathogenic for Breast-ovarian cancer, familial, susceptibility to, 1. Last evaluated: 2015-10-02. Review status: criteria provided, single submitter. Criteria: CIMBA Mutation Classification guidelines May 2016. Collection method: clinical testing. Allele origin: germline. Not counted in ClinVar's aggregate classification.

Juno Genomics, Hangzhou Juno Genomics, Inc
Classification: Pathogenic for Breast-ovarian cancer, familial, susceptibility to, 1; Pancreatic cancer, susceptibility to, 4; Fanconi anemia, complementation group S. Review status: criteria provided, single submitter. Criteria: ACMG Guidelines, 2015. Collection method: clinical testing. Allele origin: germline. Not counted in ClinVar's aggregate classification.
Comment: Absent from controls (or at extremely low frequency if recessive) in Genome Aggregation Database.;Null variant in a gene where loss of function (LOF) is a known mechanism of disease.;The prevalence of the variant in affected individuals is significantly increased compared to the prevalence in controls.

Neuberg Centre For Genomic Medicine, NCGM
Classification: Pathogenic for Breast-ovarian cancer, familial, susceptibility to, 1. Review status: criteria provided, single submitter. Criteria: ACMG Guidelines, 2015. Collection method: clinical testing. Allele origin: germline. Inheritance: Autosomal dominant inheritance. Affected: yes. Not counted in ClinVar's aggregate classification.
Comment: The invariant splice site c.5074+1G>A variant has been reported previously in heterozygous state in individuals affected with Hereditary Breast And Ovarian Cancer Syndrome (Singh J et al). The variant is novel (not in any individuals) in gnomAD and in 1000 Genomes. This sequence change affects a donor splice site in intron 16 of the BRCA1 gene. It is expected to disrupt RNA splicing and likely results in an absent or disrupted protein product. Multifactorial likelihood analyses based on genetic evidence such as family history, co-segregation with disease, and co-occurrence with pathogenic variants predict that this variant is likely deleterious (Easton DF et al). Donor and acceptor splice site variants typically lead to a loss of protein function and loss-of-function variants in BRCA1 are known to be pathogenic (Baralle D et al). For these reasons, this variant has been classified as Pathogenic.

BRCAlab, Lund University
Classification: Pathogenic for Breast-ovarian cancer, familial, susceptibility to, 1. Last evaluated: 2020-03-02. Review status: no assertion criteria provided. Collection method: clinical testing. Allele origin: germline. Affected: yes. Not counted in ClinVar's aggregate classification.

Sharing Clinical Reports Project (SCRP)
Classification: Pathogenic for Breast-ovarian cancer, familial 1. Last evaluated: 2012-03-05. Review status: no assertion criteria provided. Collection method: clinical testing. Allele origin: germline. Not counted in ClinVar's aggregate classification.

Breast Cancer Information Core (BIC) (BRCA1)
Classification: Pathogenic for Breast-ovarian cancer, familial 1. Last evaluated: 2004-02-20. Review status: no assertion criteria provided. Collection method: clinical testing. Allele origin: germline. Affected: yes. Observed: 3 variant alleles. Not counted in ClinVar's aggregate classification.

Brotman Baty Institute, University of Washington
No classification provided (evidence only). Condition: Breast-ovarian cancer, familial 1. Review status: no classification provided. Collection method: in vitro. Allele origin: not applicable. Functional consequence: functionally_abnormal. Not counted in ClinVar's aggregate classification.
ClinVar note: "not provided" was previously submitted as the classification for the variant. However, the classification appeared to be based only on an observation of functional data so it was converted to no classification on 2025-07-30.

Department of Pathology and Laboratory Medicine, Sinai Health System
Classification: Pathogenic for Malignant tumor of breast. Review status: no assertion criteria provided. Collection method: clinical testing. Allele origin: unknown. Affected: yes. Study: The Canadian Open Genetics Repository (COGR). Not counted in ClinVar's aggregate classification.
Comment: The BRCA1 c.5074+1G>A variant was identified in 23 of 2120 proband chromosomes (frequency: 0.0108) from individuals or families with hereditary breast and ovarian cancer (Juwle 2012, Singh 2017). The variant was also identified in dbSNP (ID: rs80358053) as â€šÃ„ÃºWith Pathogenic alleleâ€šÃ„Ã¹, ClinVar (10x as pathogenic reviewed by expert panel), Clinvitae (4x as pathogenic), LOVD 3.0 (2x as pathogenic), BIC Database (3x), and ARUP Laboratories (as definitely pathogenic). The variant was not identified in Cosmic, MutDB, UMD-LSDB, or Zhejiang University Database. The variant was identified in control databases in 1 of 246152 chromosomes at a frequency of 0.000004 (Genome Aggregation Database Feb 27, 2017). It was observed in the South Asian population in 1 of 30782 chromosomes (freq: 0.000032), but not observed in the African, Other, Latino, European (Non-Finnish), Ashkenazi Jewish, East Asian, or Finnish populations. Several papers which studied variants based on multifactorial probability based models classified the variant as pathogenic (Easton 2007, Lindor 2012). The c.5074+1G>A variant is predicted to cause abnormal splicing because the nucleotide substitution occurs in the invariant region of the splice consensus sequence. In summary, based on the above information this variant meets our laboratoryâ€šÃ„Ã´s criteria to be classified as pathogenic.

Literature cited by the submitters: PubMed 21990134 (cited by 5 submitters); PubMed 27553291 (cited by 3 submitters); PubMed 17924331 (cited by 4 submitters); PubMed 30209399 (cited by 3 submitters); PubMed 31161121 (cited by Ambry Genetics); PubMed 31706072 (cited by Ambry Genetics and Color Diagnostics, LLC DBA Color Health); PubMed 35377489 (cited by Quest Diagnostics Nichols Institute San Juan Capistrano); PubMed 29470806 (cited by 3 submitters); PubMed 26295337 (cited by Quest Diagnostics Nichols Institute San Juan Capistrano); PubMed 15345110 (cited by Color Diagnostics, LLC DBA Color Health); PubMed 24667779 (cited by Color Diagnostics, LLC DBA Color Health); PubMed 25452441 (cited by Color Diagnostics, LLC DBA Color Health); PubMed 31372034 (cited by Color Diagnostics, LLC DBA Color Health); PubMed 31528241 (cited by Color Diagnostics, LLC DBA Color Health and Women's Health and Genetics/Laboratory Corporation of America, LabCorp); PubMed 33471991 (cited by Color Diagnostics, LLC DBA Color Health).